The following is an entry in ClinVar:

NM_001844.5(COL2A1):c.4299_4314del (p.Leu1434fs)

Gene: COL2A1 (collagen type II alpha 1 chain; minus strand). Cytogenetic location: 12q13.11.
Variant type: Deletion.
Coding change: c.4299_4314del on transcript NM_001844.5 (MANE Select); coding-DNA positions 4299 to 4314, 16 bases deleted (CCTGAAGGATGGCTGC).
Protein change: p.Leu1434fs; shifts the reading frame from leucine 1434.
Molecular consequence: frameshift variant.
Genome position (GRCh38, 1-based): chr12:47,974,092-47,974,107, GCAGCCATCCTTCAGG deleted on the plus strand (CCTGAAGGATGGCTGC on the coding strand, the reverse complement: COL2A1 is on the minus strand); deleting any 16 consecutive bases within chr12:47,974,092-47,974,111 gives the same sequence; the c. name uses the placement nearest the transcript's 3' end. VCF-style (leftmost placement, unchanged base first): chr12-47974091-TGCAGCCATCCTTCAGG-T. GRCh37 (hg19) VCF-style: chr12-48367874-TGCAGCCATCCTTCAGG-T.
Other names: c.4092_4107del, p.Leu1365fs (NM_033150.3); short protein forms L1434fs, L1365fs.
Identifiers: ClinVar variation 4726717 (VCV004726717.1).

ClinVar aggregate classification (germline): Pathogenic (1 of 4 stars; one submission).

Submission:

Labcorp Genetics (formerly Invitae), Labcorp
Classification: Pathogenic. Last evaluated: 2025-09-06. Review status: criteria provided, single submitter. Criteria: Invitae Variant Classification Sherloc (09022015). Collection method: clinical testing. Allele origin: germline.
Comment: This sequence change creates a premature translational stop signal (p.Leu1434Argfs*32) in the COL2A1 gene. While this is not anticipated to result in nonsense mediated decay, it is expected to disrupt the last 54 amino acid(s) of the COL2A1 protein. This variant is not present in population databases (gnomAD no frequency). This variant has not been reported in the literature in individuals affected with COL2A1-related conditions. This variant disrupts a region of the COL2A1 protein in which other variant(s) (p.Lys1444Asnfs*27) have been determined to be pathogenic (PMID: 23545312). This suggests that this is a clinically significant region of the protein, and that variants that disrupt it are likely to be disease-causing. For these reasons, this variant has been classified as Pathogenic.

Literature cited by the submitters: PubMed 23545312.